The following is an entry in ClinVar:

NM_001035.3(RYR2):c.2074C>G (p.His692Asp)

Gene: RYR2 (ryanodine receptor 2; plus strand). Cytogenetic location: 1q43.
Variant type: single nucleotide variant.
Coding change: c.2074C>G on transcript NM_001035.3 (MANE Select); coding-DNA position 2074, C replaced by G.
Protein change: p.His692Asp; replaces histidine 692 with aspartic acid.
Molecular consequence: missense variant.
Genome position (GRCh38, 1-based): chr1:237,496,623, C>G. VCF-style: chr1-237496623-C-G. GRCh37 (hg19) VCF-style: chr1-237659923-C-G.
Other names: short protein forms H692D.
Identifiers: ClinVar variation 3385683 (VCV003385683.1).

ClinVar aggregate classification (germline): Uncertain significance (1 of 4 stars; one submission).

Conditions:
Catecholaminergic polymorphic ventricular tachycardia (CVPT). Also called: Catecholamine-induced polymorphic ventricular tachycardia. Identifiers: Orphanet 3286, MedGen C5574922, MONDO:0017990.

Submission:

All of Us Research Program, National Institutes of Health
Classification: Uncertain significance for Catecholaminergic polymorphic ventricular tachycardia. Last evaluated: 2024-08-06. Review status: criteria provided, single submitter. Criteria: ACMG Guidelines, 2015. Collection method: clinical testing. Allele origin: germline. Inheritance: Autosomal dominant inheritance. Observed: 1 variant allele, 1 heterozygote.
Comment: This study involves interpretation of variants in research participants for the purpose of population health screening. Participant phenotype was not available at the time of variant classification. Additional details can be found in publication PMID: 35346344, PMCID: PMC8962531